The following is an entry in ClinVar:

NM_006231.4(POLE):c.3068A>G (p.Asn1023Ser)

Gene: POLE (DNA polymerase epsilon, catalytic subunit; minus strand). Cytogenetic location: 12q24.33.
Variant type: single nucleotide variant.
Coding change: c.3068A>G on transcript NM_006231.4 (MANE Select); coding-DNA position 3068, A replaced by G.
Protein change: p.Asn1023Ser; replaces asparagine 1023 with serine.
Molecular consequence: missense variant.
Genome position (GRCh38, 1-based): chr12:132,659,502, T>C on the plus strand (A>G on the coding strand, the complement: POLE is on the minus strand). VCF-style: chr12-132659502-T-C. GRCh37 (hg19) VCF-style: chr12-133236088-T-C.
Other names: c.3068A>G (NM_006231.2); short protein forms N1023S.
Identifiers: ClinVar variation 1003008 (VCV001003008.10), dbSNP rs765536104, ClinGen allele CA6893362.

ClinVar aggregate classification (germline): Uncertain significance. Review status: criteria provided, multiple submitters, no conflicts (2 of 4 stars). 2 submissions from 2 submitters: Uncertain significance (2). Last evaluated 2023-11-10.

Conditions:
Hereditary cancer-predisposing syndrome. Also called: Hereditary neoplastic syndrome; Neoplastic Syndromes, Hereditary; Tumor predisposition; Hereditary Cancer Syndrome. Identifiers: Orphanet 140162, MedGen C0027672, MeSH D009386, MONDO:0015356.

Allele frequency attached by ClinVar (database versions not stated): gnomAD exomes below 0.00001; ExAC 0.00001.
gnomAD v4.1: 1 of 1,613,910 alleles (0.000062%); highest among the groups gnomAD compares: South Asian, 0.0011%; no homozygotes.

Submissions (2):

Labcorp Genetics (formerly Invitae), Labcorp
Classification: Uncertain significance. Last evaluated: 2023-11-10. Review status: criteria provided, single submitter. Criteria: Invitae Variant Classification Sherloc (09022015). Collection method: clinical testing. Allele origin: germline.
Comment: This sequence change replaces asparagine, which is neutral and polar, with serine, which is neutral and polar, at codon 1023 of the POLE protein (p.Asn1023Ser). This variant is present in population databases (rs765536104, gnomAD 0.003%). This variant has not been reported in the literature in individuals affected with POLE-related conditions. ClinVar contains an entry for this variant (Variation ID: 1003008). Advanced modeling of protein sequence and biophysical properties (such as structural, functional, and spatial information, amino acid conservation, physicochemical variation, residue mobility, and thermodynamic stability) performed at Invitae indicates that this missense variant is not expected to disrupt POLE protein function with a negative predictive value of 80%. In summary, the available evidence is currently insufficient to determine the role of this variant in disease. Therefore, it has been classified as a Variant of Uncertain Significance.

Ambry Genetics
Classification: Uncertain significance for Hereditary cancer-predisposing syndrome. Last evaluated: 2022-12-29. Review status: criteria provided, single submitter. Criteria: Ambry Variant Classification Scheme 2023. Collection method: clinical testing. Allele origin: germline.
Comment: The p.N1023S variant (also known as c.3068A>G), located in coding exon 26 of the POLE gene, results from an A to G substitution at nucleotide position 3068. The asparagine at codon 1023 is replaced by serine, an amino acid with highly similar properties. This amino acid position is conserved. In addition, this alteration is predicted to be tolerated by in silico analysis. Since supporting evidence is limited at this time, the clinical significance of this alteration remains unclear.